The following is an entry in ClinVar:

NM_015041.3(CLUAP1):c.495+1G>T

Gene: CLUAP1 (clusterin associated protein 1; plus strand). Cytogenetic location: 16p13.3.
Variant type: single nucleotide variant.
Coding change: c.495+1G>T on transcript NM_015041.3 (MANE Select); the canonical splice donor site of the intron after coding-DNA position 495, G replaced by T.
Molecular consequence: splice donor variant. On other transcripts: intron variant (1).
Genome position (GRCh38, 1-based): chr16:3,512,479, G>T. VCF-style: chr16-3512479-G-T. GRCh37 (hg19) VCF-style: chr16-3562479-G-T.
Other names: NC_000016.9:g.3562479G>T; c.495+1G>T (NM_001330454.2); c.-4+2510G>T (NM_024793.3).
Identifiers: ClinVar variation 4411701 (VCV004411701.2).

ClinVar aggregate classification (germline): Uncertain significance (1 of 4 stars; one submission).

Submissions (2):

Labcorp Genetics (formerly Invitae), Labcorp
Classification: Uncertain significance. Last evaluated: 2025-07-21. Review status: criteria provided, single submitter. Criteria: Invitae Variant Classification Sherloc (09022015). Collection method: clinical testing. Allele origin: germline.
Comment: This sequence change affects a donor splice site in intron 5 of the CLUAP1 gene. It is expected to disrupt RNA splicing. Variants that disrupt the donor or acceptor splice site typically lead to a loss of protein function (PMID: 16199547), however the current clinical and genetic evidence is not sufficient to establish whether loss-of-function variants in CLUAP1 cause disease. This variant is not present in population databases (gnomAD no frequency). This variant has not been reported in the literature in individuals affected with CLUAP1-related conditions. Experimental studies and prediction algorithms are not available or were not evaluated, and the functional significance of this variant is currently unknown. Algorithms developed to predict the effect of sequence changes on RNA splicing suggest that this variant may disrupt the consensus splice site. In summary, the available evidence is currently insufficient to determine the role of this variant in disease. Therefore, it has been classified as a Variant of Uncertain Significance.

Dr. Peter K. Rogan Lab, Western University
No classification provided (evidence only). Condition: Melanoma. Review status: no classification provided. Collection method: in vitro. Allele origin: not applicable. Functional consequence: skipped exon, retained intron. Not counted in ClinVar's aggregate classification.

Literature cited by the submitters: PubMed 16199547 (cited by Labcorp Genetics (formerly Invitae), Labcorp).